The following is an entry in ClinVar:

ClinVar aggregate classification (germline): Uncertain significance (1 of 4 stars; one submission).

Allele frequency attached by ClinVar (database versions not stated): gnomAD exomes 0.00001; ExAC 0.00002.
gnomAD v4.1: 4 of 1,614,134 alleles (0.00025%); highest among the groups gnomAD compares: Admixed American, 0.0067%; no homozygotes.

Submission:

Labcorp Genetics (formerly Invitae), Labcorp
Classification: Uncertain significance. Last evaluated: 2022-06-15. Review status: criteria provided, single submitter. Criteria: Invitae Variant Classification Sherloc (09022015). Collection method: clinical testing. Allele origin: germline.
Comment: This variant has not been reported in the literature in individuals affected with VPS13D-related conditions. Algorithms developed to predict the effect of missense changes on protein structure and function (SIFT, PolyPhen-2, Align-GVGD) all suggest that this variant is likely to be tolerated. In summary, the available evidence is currently insufficient to determine the role of this variant in disease. Therefore, it has been classified as a Variant of Uncertain Significance. This sequence change replaces arginine, which is basic and polar, with isoleucine, which is neutral and non-polar, at codon 1148 of the VPS13D protein (p.Arg1148Ile). This variant is present in population databases (rs759455395, gnomAD 0.01%).

NM_015378.4(VPS13D):c.3443G>T (p.Arg1148Ile)

Gene: VPS13D (vacuolar protein sorting 13 homolog D; plus strand). Cytogenetic location: 1p36.22.
Variant type: single nucleotide variant.
Coding change: c.3443G>T on transcript NM_015378.4 (MANE Select); coding-DNA position 3443, G replaced by T.
Protein change: p.Arg1148Ile; replaces arginine 1148 with isoleucine.
Molecular consequence: missense variant.
Genome position (GRCh38, 1-based): chr1:12,277,031, G>T. VCF-style: chr1-12277031-G-T. GRCh37 (hg19) VCF-style: chr1-12337088-G-T.
Other names: c.3443G>T, p.Arg1148Ile (NM_018156.4); short protein forms R1148I.
Identifiers: ClinVar variation 1979933 (VCV001979933.4), dbSNP rs759455395, ClinGen allele CA601974.